The following is an entry in ClinVar:

ClinVar aggregate classification (germline): Uncertain significance (1 of 4 stars; one submission).

Submission:

Ambry Genetics
Classification: Uncertain significance. Last evaluated: 2026-07-13. Review status: criteria provided, single submitter. Criteria: Ambry Variant Classification Scheme 2023. Collection method: clinical testing. Allele origin: germline.
Comment: The p.S2114T variant (also known as c.6341G>C), located in coding exon 27 of the WNK2 gene, results from a G to C substitution at nucleotide position 6341. The serine at codon 2114 is replaced by threonine, an amino acid with similar properties. This amino acid position is conserved. In addition, the in silico prediction for this alteration is inconclusive. Based on the available evidence, the clinical significance of this variant remains unclear.

NM_006648.4(WNK2):c.6341G>C (p.Ser2114Thr)

Gene: WNK2 (WNK lysine deficient protein kinase 2; plus strand). Cytogenetic location: 9q22.31.
Variant type: single nucleotide variant.
Coding change: c.6341G>C on transcript NM_006648.4 (MANE Select); coding-DNA position 6341, G replaced by C.
Protein change: p.Ser2114Thr; replaces serine 2114 with threonine.
Molecular consequence: missense variant.
Genome position (GRCh38, 1-based): chr9:93,308,409, G>C. VCF-style: chr9-93308409-G-C. GRCh37 (hg19) VCF-style: chr9-96070691-G-C.
Other names: c.6452G>C, p.Ser2151Thr (NM_001282394.3); short protein forms S2114T, S2151T.
Identifiers: ClinVar variation 5031853 (VCV005031853.1).